The following is an entry in ClinVar:

NM_006852.6(TLK2):c.1355G>A (p.Ser452Asn)

Gene: TLK2 (tousled like kinase 2; plus strand). Cytogenetic location: 17q23.2.
Variant type: single nucleotide variant.
Coding change: c.1355G>A on transcript NM_006852.6 (MANE Select); coding-DNA position 1355, G replaced by A.
Protein change: p.Ser452Asn; replaces serine 452 with asparagine.
Molecular consequence: missense variant.
Genome position (GRCh38, 1-based): chr17:62,580,179, G>A. VCF-style: chr17-62580179-G-A. GRCh37 (hg19) VCF-style: chr17-60657540-G-A.
Other names: c.1421G>A, p.Ser474Asn (NM_001284333.3); c.1259G>A, p.Ser420Asn (NM_001284363.1, NM_001375272.1); c.908G>A, p.Ser303Asn (NM_001330418.3, NM_001375273.1); c.1397G>A, p.Ser466Asn (NM_001375269.1); c.1355G>A, p.Ser452Asn (NM_001375270.1, NM_001375271.1); short protein forms S303N, S420N, S452N, S466N, S474N.
Identifiers: ClinVar variation 1693074 (VCV001693074.2), dbSNP rs2146767228, ClinGen allele CA400504454.

ClinVar aggregate classification (germline): Uncertain significance (1 of 4 stars; one submission).

Submission:

GeneDx
Classification: Uncertain significance. Last evaluated: 2021-12-23. Review status: criteria provided, single submitter. Criteria: GeneDx Variant Classification Process June 2021. Collection method: clinical testing. Allele origin: germline. Affected: yes.
Comment: Not observed at significant frequency in large population cohorts (gnomAD); In silico analysis supports that this missense variant has a deleterious effect on protein structure/function; Has not been previously published as pathogenic or benign to our knowledge